The following is an entry in ClinVar:

NM_005559.4(LAMA1):c.7212C>T (p.Ile2404=)

Gene: LAMA1 (laminin subunit alpha 1; minus strand). Cytogenetic location: 18p11.31.
Variant type: single nucleotide variant.
Coding change: c.7212C>T on transcript NM_005559.4 (MANE Select); coding-DNA position 7212, C replaced by T.
Protein change: p.Ile2404=; no amino-acid change (isoleucine 2404 retained).
Molecular consequence: synonymous variant.
Genome position (GRCh38, 1-based): chr18:6,964,787, G>A on the plus strand (C>T on the coding strand, the complement: LAMA1 is on the minus strand). VCF-style: chr18-6964787-G-A. GRCh37 (hg19) VCF-style: chr18-6964786-G-A.
Identifiers: ClinVar variation 2648541 (VCV002648541.24), dbSNP rs146438640, ClinGen allele CA8880966.

ClinVar aggregate classification (germline): Likely benign (1 of 4 stars; one submission).

Allele frequency attached by ClinVar (database versions not stated): gnomAD 0.00001; gnomAD exomes 0.00001; ExAC 0.00002; ESP Exome Variant Server 0.00008; TOPMed below 0.00001.
gnomAD v4.1: 19 of 1,613,944 alleles (0.0012%); highest among the groups gnomAD compares: Middle Eastern, 0.049%; no homozygotes.

Submission:

CeGaT Center for Human Genetics Tuebingen
Classification: Likely benign. Last evaluated: 2024-09-01. Review status: criteria provided, single submitter. Criteria: CeGaT Center For Human Genetics Tuebingen Variant Classification Criteria Version 2. Collection method: clinical testing. Allele origin: germline. Affected: yes. Observed: 2 variant alleles.
Comment: LAMA1: BP4, BP7